The following is an entry in ClinVar:

NM_002693.3(POLG):c.1433+14G>C

Genes: POLG (DNA polymerase gamma, catalytic subunit; minus strand), POLGARF (POLG alternative reading frame; minus strand). Cytogenetic location: 15q26.1.
Variant type: single nucleotide variant.
Coding change: c.1433+14G>C on transcript NM_002693.3 (MANE Select); 14 bases into the intron after coding-DNA position 1433, G replaced by C.
Molecular consequence: intron variant.
Genome position (GRCh38, 1-based): chr15:89,327,153, C>G on the plus strand (G>C on the coding strand, the complement: POLG is on the minus strand). VCF-style: chr15-89327153-C-G. GRCh37 (hg19) VCF-style: chr15-89870384-C-G.
Other names: c.1433+14G>C (NM_001126131.2).
Identifiers: ClinVar variation 385287 (VCV000385287.1), dbSNP rs1057522174, ClinGen allele CA16607917.
Genomic context (GRCh38, chr15:89,327,153, plus strand): 5'-AAGGCTAAGCCGAAGGCTAGGCCGCCCACCTGCCAGTCCCCTGCCTAGATCCTGCCCACC[C>G]AAGGCCTGGCTACCTCTCTCCTGAGAGCAGCTGGCAGGCATCATTGGCCAGATCCATCAA-3'

ClinVar aggregate classification (germline): Likely benign (1 of 4 stars; one submission).

Submission:

GeneDx
Classification: Likely benign. Last evaluated: 2016-04-11. Review status: criteria provided, single submitter. Criteria: GeneDx Variant Classification (06012015). Collection method: clinical testing. Allele origin: germline. Affected: yes.
Comment: This variant is considered likely benign or benign based on one or more of the following criteria: it is a conservative change, it occurs at a poorly conserved position in the protein, it is predicted to be benign by multiple in silico algorithms, and/or has population frequency not consistent with disease.